The following is an entry in ClinVar:

NM_033380.3(COL4A5):c.3868A>T (p.Lys1290Ter)

Gene: COL4A5 (collagen type IV alpha 5 chain; plus strand). Cytogenetic location: Xq22.3.
Variant type: single nucleotide variant.
Coding change: c.3868A>T on transcript NM_033380.3 (MANE Select); coding-DNA position 3868, A replaced by T.
Protein change: p.Lys1290Ter; replaces lysine 1290 with a stop codon.
Molecular consequence: nonsense.
Genome position (GRCh38, 1-based): chrX:108,677,559, A>T. VCF-style: chrX-108677559-A-T. GRCh37 (hg19) VCF-style: chrX-107920789-A-T.
Other names: c.3850A>T, p.Lys1284Ter (NM_000495.5); short protein forms K1284*, K1290*.
Identifiers: ClinVar variation 4684989 (VCV004684989.1).

ClinVar aggregate classification (germline): Pathogenic (1 of 4 stars; one submission).

Conditions:
Hematuria. Identifiers: MedGen C0018965, HP:0000790.

Submission:

Genetics Laboratory, Great Ormond Street Hospital NHS Foundation Trust, North Thames Genomic Laboratory Hub
Classification: Pathogenic for Haematuria. Last evaluated: 2025-11-13. Review status: criteria provided, single submitter. Criteria: ACGS Best Practice Guidelines for Variant Classification in Rare Disease 2024 v1.2. Collection method: clinical testing. Allele origin: germline. Affected: yes.
Comment: PS4_supporting, PM2_moderate, PVS1_very-strong